The following is an entry in ClinVar:

NM_144670.6(A2ML1):c.1189G>A (p.Gly397Ser)

Gene: A2ML1 (alpha-2-macroglobulin like 1; plus strand). Cytogenetic location: 12p13.31.
Variant type: single nucleotide variant.
Coding change: c.1189G>A on transcript NM_144670.6 (MANE Select); coding-DNA position 1189, G replaced by A.
Protein change: p.Gly397Ser; replaces glycine 397 with serine.
Molecular consequence: missense variant.
Genome position (GRCh38, 1-based): chr12:8,841,477, G>A. VCF-style: chr12-8841477-G-A. GRCh37 (hg19) VCF-style: chr12-8994073-G-A.
Other names: short protein forms G397S.
Identifiers: ClinVar variation 3696142 (VCV003696142.2).

ClinVar aggregate classification (germline): Uncertain significance (1 of 4 stars; one submission).

gnomAD v4.1: 3 of 1,614,078 alleles (0.00019%); highest among the groups gnomAD compares: East Asian, 0.0022%; no homozygotes.

Submission:

Labcorp Genetics (formerly Invitae), Labcorp
Classification: Uncertain significance. Last evaluated: 2024-10-17. Review status: criteria provided, single submitter. Criteria: Invitae Variant Classification Sherloc (09022015). Collection method: clinical testing. Allele origin: germline.
Comment: This sequence change replaces glycine, which is neutral and non-polar, with serine, which is neutral and polar, at codon 397 of the A2ML1 protein (p.Gly397Ser). This variant is present in population databases (rs749728019, gnomAD 0.006%). This variant has not been reported in the literature in individuals affected with A2ML1-related conditions. An algorithm developed to predict the effect of missense changes on protein structure and function (PolyPhen-2) suggests that this variant is likely to be disruptive. In summary, the available evidence is currently insufficient to determine the role of this variant in disease. Therefore, it has been classified as a Variant of Uncertain Significance.